The following is an entry in ClinVar:

NM_006502.3(POLH):c.328G>T (p.Glu110Ter)

Gene: POLH (DNA polymerase eta; plus strand). Cytogenetic location: 6p21.1.
Variant type: single nucleotide variant.
Coding change: c.328G>T on transcript NM_006502.3 (MANE Select); coding-DNA position 328, G replaced by T.
Protein change: p.Glu110Ter; replaces glutamic acid 110 with a stop codon.
Molecular consequence: nonsense. On other transcripts: intron variant (1).
Genome position (GRCh38, 1-based): chr6:43,587,327, G>T. VCF-style: chr6-43587327-G-T. GRCh37 (hg19) VCF-style: chr6-43555064-G-T.
Other names: c.328G>T, p.Glu110Ter (NM_001291970.2); c.118+4186G>T (NM_001291969.2); short protein forms E110*.
Identifiers: ClinVar variation 4856891 (VCV004856891.2).

ClinVar aggregate classification (germline): Likely pathogenic (1 of 4 stars; one submission).

gnomAD v4.1: 2 of 1,614,158 alleles (0.00012%); highest among the groups gnomAD compares: South Asian, 0.0022%; no homozygotes.

Submission:

Dasa
Classification: Likely pathogenic. Last evaluated: 2025-09-05. Review status: criteria provided, single submitter. Criteria: DASA Assertion Criteria. Collection method: clinical testing. Allele origin: germline.
Comment: NM_006502.3(POLH):c.328G>T (p.Glu110*) is a nonsense variant in POLH predicted to introduce a premature termination codon and is predicted to result in an absent or altered protein product. Loss of function is an established disease mechanism for POLH-associated disorders. Also, this variant is rare in population databases. Based on the currently available evidence, this variant is classified as likely pathogenic.